The following is an entry in ClinVar:

NM_001127511.3(APC):c.-169G>A

Gene: APC (APC regulator of Wnt signaling pathway; plus strand). Cytogenetic location: 5q22.2.
Variant type: single nucleotide variant.
Coding change: c.-169G>A on transcript NM_001127511.3; 169 bases upstream of the start codon, G replaced by A.
Molecular consequence: 5 prime UTR variant. On other transcripts: non-coding transcript variant (2).
Genome position (GRCh38, 1-based): chr5:112,707,549, G>A. VCF-style: chr5-112707549-G-A. GRCh37 (hg19) VCF-style: chr5-112043246-G-A.
Other names: c.-352G>A (NM_001354895.2, NM_001407447.1, NM_001407452.1 and 3 more transcripts); c.-169G>A (NM_001354897.2, NM_001354902.2, NM_001407446.1); c.-119G>A (NM_001407448.1, NM_001407450.1, NM_001407457.1 and 1 more transcripts); c.-143G>A (NM_001407453.1); c.-1387G>A (NM_001407470.1, NM_001407472.1).
Identifiers: ClinVar variation 1023989 (VCV001023989.7), dbSNP rs1750575005, ClinGen allele CA1573442426.

ClinVar aggregate classification (germline): Uncertain significance (1 of 4 stars; one submission).

Conditions:
Familial adenomatous polyposis 1 (FAP1). Also called: FAMILIAL ADENOMATOUS POLYPOSIS 1, ATTENUATED; POLYPOSIS, ADENOMATOUS INTESTINAL. Identifiers: MedGen C2713442, MONDO:0021056, OMIM 175100. Disease mechanism: loss of function.

Allele frequency attached by ClinVar (database versions not stated): gnomAD exomes below 0.00001.
gnomAD v4.1: 1 of 562,980 alleles (0.00018%); highest among the groups gnomAD compares: East Asian, 0.004%; no homozygotes.

Submission:

Labcorp Genetics (formerly Invitae), Labcorp
Classification: Uncertain significance for Familial adenomatous polyposis 1. Last evaluated: 2024-07-23. Review status: criteria provided, single submitter. Criteria: Invitae Variant Classification Sherloc (09022015). Collection method: clinical testing. Allele origin: germline.
Comment: This variant occurs in a non-coding region of the APC gene. It does not change the encoded amino acid sequence of the APC protein. This variant is not present in population databases (gnomAD no frequency). This variant has not been reported in the literature in individuals affected with APC-related conditions. Experimental studies and prediction algorithms are not available or were not evaluated, and the functional significance of this variant is currently unknown. In summary, the available evidence is currently insufficient to determine the role of this variant in disease. Therefore, it has been classified as a Variant of Uncertain Significance.